The following is an entry in ClinVar:

ClinVar aggregate classification (germline): Uncertain significance. Review status: criteria provided, multiple submitters, no conflicts (2 of 4 stars). 3 submissions from 3 submitters: Uncertain significance (3). Last evaluated 2026-06-02.

Conditions:
TTC21B-related disorder. Also called: TTC21B-related condition; TTC21B-related disorders.
Inborn genetic diseases. Identifiers: MedGen C0950123, MeSH D030342.
Jeune thoracic dystrophy. Also called: Short-rib thoracic dysplasia; Jeune syndrome; Infantile thoracic dystrophy; Thoracic pelvic phalangeal dystrophy; Jeune's syndrome; Chondroectodermal dysplasia-like syndrome. Identifiers: Orphanet 474, MedGen C0265275, MONDO:0018770.
Nephronophthisis. Also called: Juvenile Nephronophthisis. Identifiers: Orphanet 655, MedGen C0687120, MONDO:0019005, HP:0000090.

Allele frequency attached by ClinVar (database versions not stated): gnomAD exomes 0.00001; gnomAD 0.00002; TOPMed 0.00002.
gnomAD v4.1: 13 of 1,612,994 alleles (0.00081%); highest among the groups gnomAD compares: East Asian, 0.0045%; no homozygotes.

Submissions (3):

PreventionGenetics, part of Exact Sciences
Classification: Uncertain significance for TTC21B-related condition. Last evaluated: 2026-06-02. Review status: criteria provided, single submitter. Criteria: ACMG Guidelines, 2015. Collection method: clinical testing. Allele origin: germline.
Comment: The TTC21B c.3007G>A variant is predicted to result in the amino acid substitution p.Glu1003Lys. To our knowledge, this variant has not been reported in the literature. This variant is reported in 0.0065% of alleles in individuals of European (Non-Finnish) descent in gnomAD. At this time, the clinical significance of this variant is uncertain due to the absence of conclusive functional and genetic evidence.

Ambry Genetics
Classification: Uncertain significance for Inborn genetic diseases. Last evaluated: 2024-09-30. Review status: criteria provided, single submitter. Criteria: Ambry Variant Classification Scheme 2023. Collection method: clinical testing. Allele origin: germline.

Labcorp Genetics (formerly Invitae), Labcorp
Classification: Uncertain significance for Jeune thoracic dystrophy; Nephronophthisis. Last evaluated: 2024-01-02. Review status: criteria provided, single submitter. Criteria: Invitae Variant Classification Sherloc (09022015). Collection method: clinical testing. Allele origin: germline.
Comment: This sequence change replaces glutamic acid, which is acidic and polar, with lysine, which is basic and polar, at codon 1003 of the TTC21B protein (p.Glu1003Lys). This variant is present in population databases (no rsID available, gnomAD 0.007%). This variant has not been reported in the literature in individuals affected with TTC21B-related conditions. ClinVar contains an entry for this variant (Variation ID: 2192481). Advanced modeling of protein sequence and biophysical properties (such as structural, functional, and spatial information, amino acid conservation, physicochemical variation, residue mobility, and thermodynamic stability) performed at Invitae indicates that this missense variant is not expected to disrupt TTC21B protein function with a negative predictive value of 95%. In summary, the available evidence is currently insufficient to determine the role of this variant in disease. Therefore, it has been classified as a Variant of Uncertain Significance.

NM_024753.5(TTC21B):c.3007G>A (p.Glu1003Lys)

Gene: TTC21B (tetratricopeptide repeat domain 21B; minus strand). Cytogenetic location: 2q24.3.
Variant type: single nucleotide variant.
Coding change: c.3007G>A on transcript NM_024753.5 (MANE Select); coding-DNA position 3007, G replaced by A.
Protein change: p.Glu1003Lys; replaces glutamic acid 1003 with lysine.
Molecular consequence: missense variant.
Genome position (GRCh38, 1-based): chr2:165,890,932, C>T on the plus strand (G>A on the coding strand, the complement: TTC21B is on the minus strand). VCF-style: chr2-165890932-C-T. GRCh37 (hg19) VCF-style: chr2-166747442-C-T.
Other names: c.3007G>A (NM_024753.3, NM_024753.4); short protein forms E1003K.
Identifiers: ClinVar variation 2192481 (VCV002192481.4), dbSNP rs1263741987, ClinGen allele CA349048412.